The following is an entry in ClinVar:

NM_018979.4(WNK1):c.4611A>G (p.Thr1537=)

Gene: WNK1 (WNK lysine deficient protein kinase 1; plus strand). Cytogenetic location: 12p13.33.
Variant type: single nucleotide variant.
Coding change: c.4611A>G on transcript NM_018979.4 (MANE Select); coding-DNA position 4611, A replaced by G.
Protein change: p.Thr1537=; no amino-acid change (threonine 1537 retained).
Molecular consequence: synonymous variant.
Genome position (GRCh38, 1-based): chr12:885,415, A>G. VCF-style: chr12-885415-A-G. GRCh37 (hg19) VCF-style: chr12-994581-A-G.
Other names: c.5391A>G, p.Thr1797= (NM_001184985.2); c.3870A>G, p.Thr1290= (NM_014823.3); c.5367A>G, p.Thr1789= (NM_213655.5); c.4611A>G (NM_018979.3).
Identifiers: ClinVar variation 2066277 (VCV002066277.5), dbSNP rs1225518493, ClinGen allele CA478084128.
Genomic context (GRCh38, chr12:885,415, plus strand): 5'-TTTAGCTGAAACCGTGGTAGTTAGCGCACACTCACTAGATAAGACATCTCATAGCAGTAC[A>G]ACTGGATTGGCTTTCTCCCTCTCTGCACCATCTTCCTCTTCCTCTCCTGGAGCAGGAGTG-3'
Protein context (NP_061852.3, residues 1527-1547): HSLDKTSHSS[Thr1537=]TGLAFSLSAP

ClinVar aggregate classification (germline): Likely benign. Review status: criteria provided, multiple submitters, no conflicts (2 of 4 stars). 2 submissions from 2 submitters: Likely benign (2). Last evaluated 2025-06-11.

Conditions:
Pseudohypoaldosteronism type 2C (PHA2C). Also called: Pseudohypoaldosteronism Type IIC. Identifiers: Orphanet 757, Orphanet 88940, MedGen C1840391, MONDO:0013778, OMIM 614492.
Neuropathy, hereditary sensory and autonomic, type 2A (HSAN2A). Also called: ACROOSTEOLYSIS, GIACCAI TYPE; ACROOSTEOLYSIS, NEUROGENIC; HSAN IIA; WNK1-Related HSAN2 (HSAN2A); MORVAN DISEASE; NEUROPATHY, CONGENITAL SENSORY. Identifiers: Orphanet 970, MedGen C2752089, MONDO:0024309, OMIM 201300.
WNK1-related disorder. Also called: WNK1-related condition.

Allele frequency attached by ClinVar (database versions not stated): gnomAD 0.00003; TOPMed 0.00003.
gnomAD v4.1: 12 of 1,613,618 alleles (0.00074%); highest among the groups gnomAD compares: African/African-American, 0.016%; no homozygotes.

Submissions (2):

PreventionGenetics, part of Exact Sciences
Classification: Likely benign for WNK1-related condition. Last evaluated: 2025-06-11. Review status: criteria provided, single submitter. Criteria: ACMG Guidelines, 2015. Collection method: clinical testing. Allele origin: germline.
Comment: This variant is classified as likely benign based on ACMG/AMP sequence variant interpretation guidelines (Richards et al. 2015 PMID: 25741868, with internal and published modifications).

Labcorp Genetics (formerly Invitae), Labcorp
Classification: Likely benign for Neuropathy, hereditary sensory and autonomic, type 2A; Pseudohypoaldosteronism type 2C. Last evaluated: 2024-03-19. Review status: criteria provided, single submitter. Criteria: Invitae Variant Classification Sherloc (09022015). Collection method: clinical testing. Allele origin: germline.